The following is an entry in ClinVar:

NM_021975.4(RELA):c.34+17_34+18delinsTA

Gene: RELA (RELA proto-oncogene, NF-kB subunit; minus strand). Cytogenetic location: 11q13.1.
Variant type: Indel.
Coding change: c.34+17_34+18delinsTA on transcript NM_021975.4 (MANE Select); bases 17 to 18 of the intron after coding-DNA position 34, GC replaced by TA.
Molecular consequence: intron variant.
Genome position (GRCh38, 1-based): chr11:65,662,161-65,662,162, GC replaced by TA on the plus strand (GC replaced by TA on the coding strand, the reverse complement: RELA is on the minus strand). VCF-style: chr11-65662161-GC-TA. GRCh37 (hg19) VCF-style: chr11-65429632-GC-TA.
Other names: c.-60+17_-60+18delinsTA (NM_001404662.1, NM_001404663.1); c.8-74_8-73delinsTA (NM_001404658.1); c.-256+17_-256+18delinsTA (NM_001404661.1); c.34+17_34+18delinsTA (NM_001145138.2, NM_001404660.1, NM_001404659.1 and 3 more transcripts).
Identifiers: ClinVar variation 4721794 (VCV004721794.1).

ClinVar aggregate classification (germline): Uncertain significance (1 of 4 stars; one submission).

Submission:

Labcorp Genetics (formerly Invitae), Labcorp
Classification: Uncertain significance. Last evaluated: 2025-06-20. Review status: criteria provided, single submitter. Criteria: Invitae Variant Classification Sherloc (09022015). Collection method: clinical testing. Allele origin: germline.
Comment: This sequence change falls in intron 2 of the RELA gene. It does not directly change the encoded amino acid sequence of the RELA protein. Information on the frequency of this variant in the gnomAD database is not available, as this variant may be reported differently in the database. This variant has not been reported in the literature in individuals affected with RELA-related conditions. Experimental studies and prediction algorithms are not available or were not evaluated, and the effect of this variant on mRNA splicing is currently unknown. In summary, the available evidence is currently insufficient to determine the role of this variant in disease. Therefore, it has been classified as a Variant of Uncertain Significance.